The following is an entry in ClinVar:

NM_001148.6(ANK2):c.2465C>A (p.Thr822Asn)

Gene: ANK2 (ankyrin 2; plus strand). Cytogenetic location: 4q26.
Variant type: single nucleotide variant.
Coding change: c.2465C>A on transcript NM_001148.6 (MANE Select); coding-DNA position 2465, C replaced by A.
Protein change: p.Thr822Asn; replaces threonine 822 with asparagine.
Molecular consequence: missense variant.
Genome position (GRCh38, 1-based): chr4:113,293,528, C>A. VCF-style: chr4-113293528-C-A. GRCh37 (hg19) VCF-style: chr4-114214684-C-A.
Other names: c.2402C>A, p.Thr801Asn (NM_001354272.2, NM_001354275.2, NM_001354252.2 and 10 more transcripts); c.2267C>A, p.Thr756Asn (NM_001354273.2); c.2378C>A, p.Thr793Asn (NM_001354274.2, NM_001354276.2, NM_001354249.2 and 10 more transcripts); c.2180C>A, p.Thr727Asn (NM_001354277.2, NM_001386157.1); c.92C>A, p.Thr31Asn (NM_001354278.2, NM_001354279.2, NM_001354280.2 and 2 more transcripts); c.2303C>A, p.Thr768Asn (NM_001354253.2, NM_001354257.2, NM_001386156.1 and 1 more transcripts); c.2465C>A, p.Thr822Asn (NM_001354258.2, NM_001354225.2, NM_001354228.2 and 6 more transcripts); c.2279C>A, p.Thr760Asn (NM_001354260.2, NM_001386151.1, NM_001354271.2); and 9 more; short protein forms T801N, T822N, T756N, T727N, T760N, T31N, T752N, T768N.
Identifiers: ClinVar variation 519082 (VCV000519082.12), dbSNP rs374355225, ClinGen allele CA3050575.

ClinVar aggregate classification (germline): Uncertain significance. Review status: criteria provided, multiple submitters, no conflicts (2 of 4 stars). 3 submissions from 3 submitters: Uncertain significance (3). Last evaluated 2024-11-25.

Conditions:
Cardiovascular phenotype. Identifiers: MedGen CN230736.
Long QT syndrome (LQTS). Identifiers: MedGen C0023976, MeSH D008133, MONDO:0002442. Disease mechanism: loss of function. Inheritance: Various modes of inheritance.

Allele frequency attached by ClinVar (database versions not stated): ESP Exome Variant Server 0.00008; gnomAD exomes below 0.00001; ExAC 0.00001; gnomAD 0.00001.
gnomAD v4.1: 9 of 1,612,760 alleles (0.00056%); highest among the groups gnomAD compares: Non-Finnish European, 0.00059%; no homozygotes.

Submissions (3):

Ambry Genetics
Classification: Uncertain significance for Cardiovascular phenotype. Last evaluated: 2024-11-25. Review status: criteria provided, single submitter. Criteria: Ambry Variant Classification Scheme 2023. Collection method: clinical testing. Allele origin: germline.

Labcorp Genetics (formerly Invitae), Labcorp
Classification: Uncertain significance for Long QT syndrome. Last evaluated: 2024-04-25. Review status: criteria provided, single submitter. Criteria: Invitae Variant Classification Sherloc (09022015). Collection method: clinical testing. Allele origin: germline.
Comment: This sequence change replaces threonine, which is neutral and polar, with asparagine, which is neutral and polar, at codon 822 of the ANK2 protein (p.Thr822Asn). This variant is present in population databases (rs374355225, gnomAD 0.002%). This variant has not been reported in the literature in individuals affected with ANK2-related conditions. ClinVar contains an entry for this variant (Variation ID: 519082). Advanced modeling of protein sequence and biophysical properties (such as structural, functional, and spatial information, amino acid conservation, physicochemical variation, residue mobility, and thermodynamic stability) performed at Invitae indicates that this missense variant is not expected to disrupt ANK2 protein function with a negative predictive value of 80%. In summary, the available evidence is currently insufficient to determine the role of this variant in disease. Therefore, it has been classified as a Variant of Uncertain Significance.

GeneDx
Classification: Uncertain significance. Last evaluated: 2023-07-20. Review status: criteria provided, single submitter. Criteria: GeneDx Variant Classification Process June 2021. Collection method: clinical testing. Allele origin: germline. Affected: yes.
Comment: Not observed at significant frequency in large population cohorts (gnomAD); In silico analysis supports that this missense variant has a deleterious effect on protein structure/function; Has not been previously published as pathogenic or benign to our knowledge